The following is an entry in ClinVar:

ClinVar aggregate classification (germline): Uncertain significance (1 of 4 stars; one submission).

Conditions:
Peroxisome biogenesis disorder 2B (PBD2B). Identifiers: Orphanet 44, MedGen C3550234, MONDO:0008736, OMIM 202370.

Allele frequency attached by ClinVar (database versions not stated): gnomAD exomes below 0.00001.
gnomAD v4.1: 2 of 1,610,914 alleles (0.00012%); highest among the groups gnomAD compares: Non-Finnish European, 0.00017%; no homozygotes.

Submission:

Labcorp Genetics (formerly Invitae), Labcorp
Classification: Uncertain significance for Peroxisome biogenesis disorder 2B. Last evaluated: 2021-08-18. Review status: criteria provided, single submitter. Criteria: Invitae Variant Classification Sherloc (09022015). Collection method: clinical testing. Allele origin: germline.
Comment: This sequence change falls in intron 3 of the PEX5 gene. It does not directly change the encoded amino acid sequence of the PEX5 protein. It affects a nucleotide within the consensus splice site of the intron. This variant is not present in population databases (ExAC no frequency). This variant has not been reported in the literature in individuals affected with PEX5-related conditions. Variants that disrupt the consensus splice site are a relatively common cause of aberrant splicing (PMID: 17576681, 9536098). Algorithms developed to predict the effect of sequence changes on RNA splicing suggest that this variant is not likely to affect RNA splicing. In summary, the available evidence is currently insufficient to determine the role of this variant in disease. Therefore, it has been classified as a Variant of Uncertain Significance.

Literature cited by the submitters: PubMed 17576681; PubMed 9536098.

NM_001351132.2(PEX5):c.183+6T>G

Gene: PEX5 (peroxisomal biogenesis factor 5; plus strand). Cytogenetic location: 12p13.31.
Variant type: single nucleotide variant.
Coding change: c.183+6T>G on transcript NM_001351132.2 (MANE Select); 6 bases into the intron after coding-DNA position 183, T replaced by G.
Molecular consequence: intron variant.
Genome position (GRCh38, 1-based): chr12:7,190,929, T>G. VCF-style: chr12-7190929-T-G. GRCh37 (hg19) VCF-style: chr12-7343525-T-G.
Other names: c.183+6T>G (NM_001351124.3, NM_001131026.2, NM_001351131.2 and 19 more transcripts); c.228+6T>G (NM_001351135.3, NM_001131023.2, NM_001351138.2).
Identifiers: ClinVar variation 1391739 (VCV001391739.3), dbSNP rs1296968716, ClinGen allele CA603146103.